The following is an entry in ClinVar:

NM_005026.5(PIK3CD):c.1318T>C (p.Tyr440His)

Genes: PIK3CD (phosphatidylinositol-4,5-bisphosphate 3-kinase catalytic subunit delta; plus strand), LOC126805612 (MED14-independent group 3 enhancer GRCh37_chr1:9778914-9780113; plus strand). Cytogenetic location: 1p36.22.
Variant type: single nucleotide variant.
Coding change: c.1318T>C on transcript NM_005026.5 (MANE Select); coding-DNA position 1318, T replaced by C.
Protein change: p.Tyr440His; replaces tyrosine 440 with histidine.
Molecular consequence: missense variant.
Genome position (GRCh38, 1-based): chr1:9,719,996, T>C. VCF-style: chr1-9719996-T-C. GRCh37 (hg19) VCF-style: chr1-9780054-T-C.
Other names: c.1318T>C, p.Tyr440His (NM_001350234.2, NM_001437546.1, NM_001437547.1 and 2 more transcripts); c.1231T>C, p.Tyr411His (NM_001350235.1); short protein forms Y411H, Y440H.
Identifiers: ClinVar variation 4075729 (VCV004075729.2).

ClinVar aggregate classification (germline): Uncertain significance. Review status: criteria provided, single submitter (1 of 4 stars). 2 submissions from 2 submitters: Uncertain significance (1). 1 of the submissions does not count toward it. Last evaluated 2025-02-18.

Conditions:
Activated PI3K-delta syndrome. Identifiers: Orphanet 397596, MedGen C3714976, MONDO:0018338.

Submissions (2):

GeneDx
Classification: Uncertain significance. Last evaluated: 2025-02-18. Review status: criteria provided, single submitter. Criteria: GeneDx Variant Classification Process June 2021. Collection method: clinical testing. Allele origin: germline. Affected: yes.
Comment: Not observed at significant frequency in large population cohorts (gnomAD); In silico analysis indicates that this missense variant does not alter protein structure/function; Has not been previously published as pathogenic or benign to our knowledge

Rarefied Biosciences Lab
Classification: Likely benign for Activated PI3K-delta syndrome. Review status: no assertion criteria provided. Collection method: research. Allele origin: germline. Affected: yes. Not counted in ClinVar's aggregate classification.
Comment: The PIK3CD c.1318T>C (p.Tyr440His) variant is a rare missense change, absent from gnomAD, occurring at a residue with low evolutionary conservation. Computational predictions (REVEL 0.367) support a benign effect. Immune profiling showed normal TFH, abnormal transitional B cells, and no evidence of mTOR pathway hyperactivation, arguing against pathogenic PI3Kδ gain-of-function. In the absence of functional evidence supporting pathogenicity and with benign computational and population data, this variant is classified as Likely Benign.

Literature cited by the submitters: PubMed 31031754 (cited by Rarefied Biosciences Lab).